The following is an entry in ClinVar:

ClinVar aggregate classification (germline): Uncertain significance (1 of 4 stars; one submission).

Submission:

Labcorp Genetics (formerly Invitae), Labcorp
Classification: Uncertain significance. Last evaluated: 2023-10-11. Review status: criteria provided, single submitter. Criteria: Invitae Variant Classification Sherloc (09022015). Collection method: clinical testing. Allele origin: germline.
Comment: This sequence change replaces aspartic acid, which is acidic and polar, with alanine, which is neutral and non-polar, at codon 325 of the OPN1SW protein (p.Asp325Ala). This variant is not present in population databases (gnomAD no frequency). This variant has not been reported in the literature in individuals affected with OPN1SW-related conditions. An algorithm developed to predict the effect of missense changes on protein structure and function (PolyPhen-2) suggests that this variant is likely to be disruptive. In summary, the available evidence is currently insufficient to determine the role of this variant in disease. Therefore, it has been classified as a Variant of Uncertain Significance.

NM_001385125.1(OPN1SW):c.965A>C (p.Asp322Ala)

Genes: CALU (calumenin; plus strand), OPN1SW (opsin 1, short wave sensitive; minus strand). Cytogenetic location: 7q32.1.
Variant type: single nucleotide variant.
Coding change: c.965A>C on transcript NM_001385125.1 (MANE Select); coding-DNA position 965, A replaced by C.
Protein change: p.Asp322Ala; replaces aspartic acid 322 with alanine.
Molecular consequence: missense variant. On other transcripts: 3 prime UTR variant (5), non-coding transcript variant (1).
Genome position (GRCh38, 1-based): chr7:128,772,613, T>G on the plus strand (A>C on the coding strand, the complement: OPN1SW is on the minus strand). VCF-style: chr7-128772613-T-G. GRCh37 (hg19) VCF-style: chr7-128412667-T-G.
Other names: c.*3446T>G (NM_001130674.3, NM_001199671.2, NM_001199672.2 and 1 more transcripts); c.*3519T>G (NM_001199673.2); short protein forms D322A.
Identifiers: ClinVar variation 2873828 (VCV002873828.3), dbSNP rs2536286542, ClinGen allele CA369216214.